The following is an entry in ClinVar:

NM_006904.7(PRKDC):c.12184G>A (p.Asp4062Asn)

Gene: PRKDC (protein kinase, DNA-activated, catalytic subunit; minus strand). Cytogenetic location: 8q11.21.
Variant type: single nucleotide variant.
Coding change: c.12184G>A on transcript NM_006904.7 (MANE Select); coding-DNA position 12184, G replaced by A.
Protein change: p.Asp4062Asn; replaces aspartic acid 4062 with asparagine.
Molecular consequence: missense variant.
Genome position (GRCh38, 1-based): chr8:47,774,376, C>T on the plus strand (G>A on the coding strand, the complement: PRKDC is on the minus strand). VCF-style: chr8-47774376-C-T. GRCh37 (hg19) VCF-style: chr8-48686937-C-T.
Other names: c.12091G>A, p.Asp4031Asn (NM_001081640.2); short protein forms D4031N, D4062N.
Identifiers: ClinVar variation 1508698 (VCV001508698.6), dbSNP rs2154497178, ClinGen allele CA371126887.

ClinVar aggregate classification (germline): Uncertain significance (1 of 4 stars; one submission).

Conditions:
Severe combined immunodeficiency due to DNA-PKcs deficiency. Also called: IMMUNODEFICIENCY 26 WITH NEUROLOGIC ABNORMALITIES; Immunodeficiency 26 with or without neurologic abnormalities. Identifiers: Orphanet 317425, MedGen C4014833, MONDO:0014423, OMIM 615966.

gnomAD v4.1: 1 of 1,611,138 alleles (0.000062%); highest among the groups gnomAD compares: African/African-American, 0.0013%; no homozygotes.

Submission:

Labcorp Genetics (formerly Invitae), Labcorp
Classification: Uncertain significance for Severe combined immunodeficiency due to DNA-PKcs deficiency. Last evaluated: 2024-04-30. Review status: criteria provided, single submitter. Criteria: Invitae Variant Classification Sherloc (09022015). Collection method: clinical testing. Allele origin: germline.
Comment: This sequence change replaces aspartic acid, which is acidic and polar, with asparagine, which is neutral and polar, at codon 4062 of the PRKDC protein (p.Asp4062Asn). This variant is not present in population databases (gnomAD no frequency). This variant has not been reported in the literature in individuals affected with PRKDC-related conditions. ClinVar contains an entry for this variant (Variation ID: 1508698). Experimental studies and prediction algorithms are not available or were not evaluated, and the functional significance of this variant is currently unknown. In summary, the available evidence is currently insufficient to determine the role of this variant in disease. Therefore, it has been classified as a Variant of Uncertain Significance.